The following is an entry in ClinVar:

ClinVar aggregate classification (germline): Pathogenic (1 of 4 stars; one submission).

Submission:

Labcorp Genetics (formerly Invitae), Labcorp
Classification: Pathogenic. Last evaluated: 2021-06-21. Review status: criteria provided, single submitter. Criteria: Invitae Variant Classification Sherloc (09022015). Collection method: clinical testing. Allele origin: germline.
Comment: For these reasons, this variant has been classified as Pathogenic. This variant has not been reported in the literature in individuals affected with ECHS1-related conditions. This variant is present in population databases (rs751306953, ExAC 0.01%). This sequence change creates a premature translational stop signal (p.Arg41Lysfs*5) in the ECHS1 gene. It is expected to result in an absent or disrupted protein product. Loss-of-function variants in ECHS1 are known to be pathogenic (PMID: 25393721, 26000322, 27090768).

Literature cited by the submitters: PubMed 25393721; PubMed 26000322; PubMed 27090768.

NM_004092.4(ECHS1):c.121dup (p.Arg41fs)

Gene: ECHS1 (enoyl-CoA hydratase, short chain 1; minus strand). Cytogenetic location: 10q26.3.
Variant type: Duplication.
Coding change: c.121dup on transcript NM_004092.4 (MANE Select); coding-DNA position 121, one base duplicated (A; older notation c.121dupA).
Protein change: p.Arg41fs; shifts the reading frame from arginine 41.
Molecular consequence: frameshift variant.
Genome position (GRCh38, 1-based): chr10:133,370,725, T duplicated on the plus strand (A on the coding strand, the reverse complement: ECHS1 is on the minus strand); the first of 6 consecutive T bases (chr10:133,370,725-133,370,730); duplicating any one gives the same sequence. VCF-style (leftmost placement, unchanged base first): chr10-133370724-C-CT. GRCh37 (hg19) VCF-style: chr10-135184228-C-CT.
Other names: short protein forms R41fs.
Identifiers: ClinVar variation 1456449 (VCV001456449.6), dbSNP rs751306953, ClinGen allele CA5765869.
Genomic context (GRCh38, chr10:133,370,724, plus strand): 5'-AGTGCATTGAGGGCCTTGGGGCGGTTCAGTTGGATCAACCCCACGGTGTTATTCTTCCCT[C>CT]TTTTTTCTGCGATGATGTACTCAAAGTTAGCACCTGGAGCAAGAAGGCAAAAAGGGGTAT-3'